The following is an entry in ClinVar:

ClinVar aggregate classification (germline): Uncertain significance (1 of 4 stars; one submission).

Submission:

Labcorp Genetics (formerly Invitae), Labcorp
Classification: Uncertain significance. Last evaluated: 2024-08-10. Review status: criteria provided, single submitter. Criteria: Invitae Variant Classification Sherloc (09022015). Collection method: clinical testing. Allele origin: germline.
Comment: This sequence change replaces glycine, which is neutral and non-polar, with serine, which is neutral and polar, at codon 241 of the TNFRSF6B protein (p.Gly241Ser). This variant is not present in population databases (gnomAD no frequency). This variant has not been reported in the literature in individuals affected with TNFRSF6B-related conditions. An algorithm developed to predict the effect of missense changes on protein structure and function outputs the following: PolyPhen-2: "Benign". The serine amino acid residue is found in multiple mammalian species, which suggests that this missense change does not adversely affect protein function. In summary, the available evidence is currently insufficient to determine the role of this variant in disease. Therefore, it has been classified as a Variant of Uncertain Significance.

NM_003823.4(TNFRSF6B):c.721G>A (p.Gly241Ser)

Genes: RTEL1-TNFRSF6B (RTEL1-TNFRSF6B readthrough (NMD candidate); plus strand), TNFRSF6B (TNF receptor superfamily member 6b; plus strand). Cytogenetic location: 20q13.33.
Variant type: single nucleotide variant.
Coding change: c.721G>A on transcript NM_003823.4 (MANE Select); coding-DNA position 721, G replaced by A.
Protein change: p.Gly241Ser; replaces glycine 241 with serine.
Molecular consequence: missense variant. On other transcripts: non-coding transcript variant (1).
Genome position (GRCh38, 1-based): chr20:63,698,381, G>A. VCF-style: chr20-63698381-G-A. GRCh37 (hg19) VCF-style: chr20-62329734-G-A.
Other names: short protein forms G241S.
Identifiers: ClinVar variation 3683604 (VCV003683604.2).
Genomic context (GRCh38, chr20:63,698,381, plus strand): 5'-TTCCAGGACATCTCCATCAAGAGGCTGCAGCGGCTGCTGCAGGCCCTCGAGGCCCCGGAG[G>A]GCTGGGGTCCGACACCAAGGGCGGGCCGCGCGGCCTTGCAGCTGAAGCTGCGTCGGCGGC-3'
Protein context (NP_003814.1, residues 231-251): RLLQALEAPE[Gly241Ser]WGPTPRAGRA